The following is an entry in ClinVar:

NM_001283009.2(RTEL1):c.464G>A (p.Ser155Asn)

Genes: RTEL1 (regulator of telomere elongation helicase 1; plus strand), RTEL1-TNFRSF6B (RTEL1-TNFRSF6B readthrough (NMD candidate); plus strand). Cytogenetic location: 20q13.33.
Variant type: single nucleotide variant.
Coding change: c.464G>A on transcript NM_001283009.2 (MANE Select); coding-DNA position 464, G replaced by A.
Protein change: p.Ser155Asn; replaces serine 155 with asparagine.
Molecular consequence: missense variant. On other transcripts: non-coding transcript variant (1), 5 prime UTR variant (1).
Genome position (GRCh38, 1-based): chr20:63,662,614, G>A. VCF-style: chr20-63662614-G-A. GRCh37 (hg19) VCF-style: chr20-62293967-G-A.
Other names: c.-206G>A (NM_001283010.1); c.464G>A, p.Ser155Asn (NM_016434.4); c.536G>A, p.Ser179Asn (NM_032957.5); short protein forms S155N, S179N.
Identifiers: ClinVar variation 2430514 (VCV002430514.3), dbSNP rs2516998089, ClinGen allele CA409669726.

ClinVar aggregate classification (germline): Uncertain significance. Review status: criteria provided, multiple submitters, no conflicts (2 of 4 stars). 3 submissions from 3 submitters: Uncertain significance (3). Last evaluated 2025-07-10.

Conditions:
Inborn genetic diseases. Identifiers: MedGen C0950123, MeSH D030342.
Dyskeratosis congenita, autosomal recessive 5 (DKCB5). Identifiers: MedGen C3554656, MONDO:0014076, OMIM 615190.
Pulmonary fibrosis and/or bone marrow failure, Telomere-related, 3. Also called: PULMONARY FIBROSIS AND/OR BONE MARROW FAILURE SYNDROME, TELOMERE-RELATED, 3. Identifiers: Orphanet 2032, MedGen C4225346, MONDO:0014613, OMIM 616373.

Submissions (3):

Labcorp Genetics (formerly Invitae), Labcorp
Classification: Uncertain significance for Dyskeratosis congenita, autosomal recessive 5; Pulmonary fibrosis and/or bone marrow failure, Telomere-related, 3. Last evaluated: 2025-07-10. Review status: criteria provided, single submitter. Criteria: Invitae Variant Classification Sherloc (09022015). Collection method: clinical testing. Allele origin: germline.
Comment: This sequence change replaces serine, which is neutral and polar, with asparagine, which is neutral and polar, at codon 155 of the RTEL1 protein (p.Ser155Asn). This variant is not present in population databases (gnomAD no frequency). This variant has not been reported in the literature in individuals affected with RTEL1-related conditions. ClinVar contains an entry for this variant (Variation ID: 2430514). An algorithm developed to predict the effect of missense changes on protein structure and function (PolyPhen-2) suggests that this variant is likely to be tolerated. In summary, the available evidence is currently insufficient to determine the role of this variant in disease. Therefore, it has been classified as a Variant of Uncertain Significance.

Ambry Genetics
Classification: Uncertain significance for Inborn genetic diseases. Last evaluated: 2024-12-28. Review status: criteria provided, single submitter. Criteria: Ambry Variant Classification Scheme 2023. Collection method: clinical testing. Allele origin: germline.
Comment: The p.S155N variant (also known as c.464G>A), located in coding exon 4 of the RTEL1 gene, results from a G to A substitution at nucleotide position 464. The serine at codon 155 is replaced by asparagine, an amino acid with highly similar properties. This amino acid position is conserved. In addition, this alteration is predicted to be tolerated by in silico analysis. Based on the available evidence, the clinical significance of this variant remains unclear.

GeneDx
Classification: Uncertain significance. Last evaluated: 2022-08-23. Review status: criteria provided, single submitter. Criteria: GeneDx Variant Classification Process June 2021. Collection method: clinical testing. Allele origin: germline. Affected: yes.
Comment: Not observed at significant frequency in large population cohorts (gnomAD); In silico analysis supports that this missense variant does not alter protein structure/function; Has not been previously published as pathogenic or benign to our knowledge